The following is an entry in ClinVar:

ClinVar aggregate classification (germline): Uncertain significance (1 of 4 stars; one submission).

Conditions:
Surfactant metabolism dysfunction, pulmonary, 4 (SMDP4). Also called: CSF2RA DEFICIENCY; PAP DUE TO CSF2RA DEFICIENCY; PULMONARY ALVEOLAR PROTEINOSIS, CONGENITAL, 4. Identifiers: Orphanet 264675, MedGen C2677877, MONDO:0010424, OMIM 300770.

gnomAD v4.1: 1 of 1,613,900 alleles (0.000062%); no homozygotes.

Submission:

Labcorp Genetics (formerly Invitae), Labcorp
Classification: Uncertain significance for Surfactant metabolism dysfunction, pulmonary, 4. Last evaluated: 2021-11-30. Review status: criteria provided, single submitter. Criteria: Invitae Variant Classification Sherloc (09022015). Collection method: clinical testing. Allele origin: germline.
Comment: In summary, the available evidence is currently insufficient to determine the role of this variant in disease. Therefore, it has been classified as a Variant of Uncertain Significance. Algorithms developed to predict the effect of missense changes on protein structure and function (SIFT, PolyPhen-2, Align-GVGD) all suggest that this variant is likely to be tolerated. This variant has not been reported in the literature in individuals affected with CSF2RA-related conditions. This variant is not present in population databases (gnomAD no frequency). This sequence change replaces valine, which is neutral and non-polar, with leucine, which is neutral and non-polar, at codon 235 of the CSF2RA protein (p.Val235Leu).

NM_172245.4(CSF2RA):c.703G>T (p.Val235Leu)

Gene: CSF2RA (colony stimulating factor 2 receptor subunit alpha; plus strand). Cytogenetic location: Xp22.33.
Variant type: single nucleotide variant.
Coding change: c.703G>T on transcript NM_172245.4 (MANE Select); coding-DNA position 703, G replaced by T.
Protein change: p.Val235Leu; replaces valine 235 with leucine.
Molecular consequence: missense variant. On other transcripts: synonymous variant (1), non-coding transcript variant (1), intron variant (1).
Genome position (GRCh38, 1-based): chrX:1,294,384, G>T. VCF-style: chrX-1294384-G-T. GRCh37 (hg19) VCF-style: chrX-1413277-G-T.
Other names: c.703G>T, p.Val235Leu (NM_001161529.2, NM_001161530.2, NM_001161531.2 and 18 more transcripts); c.304G>T, p.Val102Leu (NM_001161532.2); c.684G>T, p.Ser228= (NM_001379166.1); c.646+3875G>T (NM_172249.4); short protein forms V235L, V102L.
Identifiers: ClinVar variation 1395824 (VCV001395824.6), dbSNP rs754889776, ClinGen allele CA412235972.